The following is an entry in ClinVar:

NM_001375524.1(TRRAP):c.8444A>G (p.Asn2815Ser)

Gene: TRRAP (transformation/transcription domain associated protein; plus strand). Cytogenetic location: 7q22.1.
Variant type: single nucleotide variant.
Coding change: c.8444A>G on transcript NM_001375524.1 (MANE Select); coding-DNA position 8444, A replaced by G.
Protein change: p.Asn2815Ser; replaces asparagine 2815 with serine.
Molecular consequence: missense variant.
Genome position (GRCh38, 1-based): chr7:98,978,269, A>G. VCF-style: chr7-98978269-A-G. GRCh37 (hg19) VCF-style: chr7-98575892-A-G.
Other names: c.8423A>G, p.Asn2808Ser (NM_001244580.2); c.8369A>G, p.Asn2790Ser (NM_003496.4); short protein forms N2808S, N2815S, N2790S.
Identifiers: ClinVar variation 4691657 (VCV004691657.1).

ClinVar aggregate classification (germline): Uncertain significance (1 of 4 stars; one submission).

gnomAD v4.1: 24 of 1,614,208 alleles (0.0015%); highest among the groups gnomAD compares: South Asian, 0.021%; 1 homozygote.

Submission:

Labcorp Genetics (formerly Invitae), Labcorp
Classification: Uncertain significance. Last evaluated: 2025-04-14. Review status: criteria provided, single submitter. Criteria: Invitae Variant Classification Sherloc (09022015). Collection method: clinical testing. Allele origin: germline.
Comment: This sequence change replaces asparagine, which is neutral and polar, with serine, which is neutral and polar, at codon 2790 of the TRRAP protein (p.Asn2790Ser). This variant is present in population databases (rs762952411, gnomAD 0.02%). This variant has not been reported in the literature in individuals affected with TRRAP-related conditions. Invitae Evidence Modeling of protein sequence and biophysical properties (such as structural, functional, and spatial information, amino acid conservation, physicochemical variation, residue mobility, and thermodynamic stability) indicates that this missense variant is not expected to disrupt TRRAP protein function with a negative predictive value of 80%. In summary, the available evidence is currently insufficient to determine the role of this variant in disease. Therefore, it has been classified as a Variant of Uncertain Significance.